The following is an entry in ClinVar:

NC_000016.9:g.(?_2127829)_(2134379_?)del

Gene: TSC2 (TSC complex subunit 2; plus strand). Cytogenetic location: 16p13.3.
Variant type: Deletion.
Identifiers: ClinVar variation 2423305 (VCV002423305.4).

ClinVar aggregate classification (germline): Pathogenic (1 of 4 stars; one submission).

Conditions:
Tuberous sclerosis 2 (TSC2). Identifiers: Orphanet 805, MedGen C1860707, MONDO:0013199, OMIM 613254.

Submission:

Labcorp Genetics (formerly Invitae), Labcorp
Classification: Pathogenic for Tuberous sclerosis 2. Last evaluated: 2021-12-29. Review status: criteria provided, single submitter. Criteria: Invitae Variant Classification Sherloc (09022015). Collection method: clinical testing. Allele origin: germline.
Comment: For these reasons, this variant has been classified as Pathogenic. This variant disrupts a region of the TSC2 protein in which other variant(s) (p.Arg1032Pro) have been determined to be pathogenic (PMID: 21309039, 21520333). This suggests that this is a clinically significant region of the protein, and that variants that disrupt it are likely to be disease-causing. This variant has not been reported in the literature in individuals affected with TSC2-related conditions. This variant results in the deletion of exons 27-33 and part of exon 34 (c.2966+102_4156delinsGTGTCCTCCCTGGCT) of the TSC2 gene. It is expected to disrupt RNA splicing. Variants that disrupt the donor or acceptor splice site typically lead to a loss of protein function (PMID: 16199547), and loss-of-function variants in TSC2 are known to be pathogenic (PMID: 10205261, 17304050).

Literature cited by the submitters: PubMed 21309039; PubMed 21520333; PubMed 16199547; PubMed 10205261; PubMed 17304050.